The following is an entry in ClinVar:

ClinVar aggregate classification (germline): Uncertain significance (1 of 4 stars; one submission).

Conditions:
Familial Mediterranean fever (FMF). Also called: POLYSEROSITIS, FAMILIAL PAROXYSMAL; POLYSEROSITIS, RECURRENT; Periodic peritonitis; Benign paroxysmal peritonitis. Identifiers: Orphanet 342, MedGen C0031069, MONDO:0018088, OMIM 249100. Disease mechanism: gain of function.

Submission:

Labcorp Genetics (formerly Invitae), Labcorp
Classification: Uncertain significance for Familial Mediterranean fever. Last evaluated: 2023-06-21. Review status: criteria provided, single submitter. Criteria: Invitae Variant Classification Sherloc (09022015). Collection method: clinical testing. Allele origin: germline.
Comment: This variant is not present in population databases (gnomAD no frequency). In summary, the available evidence is currently insufficient to determine the role of this variant in disease. Therefore, it has been classified as a Variant of Uncertain Significance. Variants that disrupt the consensus splice site are a relatively common cause of aberrant splicing (PMID: 17576681, 9536098). Algorithms developed to predict the effect of sequence changes on RNA splicing suggest that this variant is not likely to affect RNA splicing. This variant has not been reported in the literature in individuals affected with MEFV-related conditions. This sequence change falls in intron 1 of the MEFV gene. It does not directly change the encoded amino acid sequence of the MEFV protein. It affects a nucleotide within the consensus splice site.

Literature cited by the submitters: PubMed 17576681; PubMed 9536098.

NM_000243.3(MEFV):c.277+4A>C

Gene: MEFV (MEFV innate immunity regulator, pyrin; minus strand). Cytogenetic location: 16p13.3.
Variant type: single nucleotide variant.
Coding change: c.277+4A>C on transcript NM_000243.3 (MANE Select); 4 bases into the intron after coding-DNA position 277, A replaced by C.
Molecular consequence: intron variant.
Genome position (GRCh38, 1-based): chr16:3,256,307, T>G on the plus strand (A>C on the coding strand, the complement: MEFV is on the minus strand). VCF-style: chr16-3256307-T-G. GRCh37 (hg19) VCF-style: chr16-3306307-T-G.
Other names: c.277+4A>C (NM_001198536.2).
Identifiers: ClinVar variation 2790262 (VCV002790262.3), dbSNP rs2543159279, ClinGen allele CA2739269950.
Genomic context (GRCh38, chr16:3,256,307, plus strand): 5'-TCCCCTTTCCCACAAAGCAGCCAGCACTCAGCACTGGATGAGGAGGAGGCCTGGGCCCGC[T>G]TACCCTGAATGGCTGCCCTGTGGAGCTCCTCGGCCAGCAGGCGCTGGTTGATGGCCCGCA-3'